The following is an entry in ClinVar:

ClinVar aggregate classification (germline): Uncertain significance (1 of 4 stars; one submission).

Submission:

Labcorp Genetics (formerly Invitae), Labcorp
Classification: Uncertain significance. Last evaluated: 2026-01-20. Review status: criteria provided, single submitter. Criteria: Invitae Variant Classification Sherloc (09022015). Collection method: clinical testing. Allele origin: germline.
Comment: This sequence change replaces leucine, which is neutral and non-polar, with isoleucine, which is neutral and non-polar, at codon 667 of the LRRC8A protein (p.Leu667Ile). This variant is not present in population databases (gnomAD no frequency). This variant has not been reported in the literature in individuals affected with LRRC8A-related conditions. An algorithm developed to predict the effect of missense changes on protein structure and function (PolyPhen-2) suggests that this variant is likely to be disruptive. In summary, the available evidence is currently insufficient to determine the role of this variant in disease. Therefore, it has been classified as a Variant of Uncertain Significance.

NM_019594.4(LRRC8A):c.1999C>A (p.Leu667Ile)

Gene: LRRC8A (leucine rich repeat containing 8 VRAC subunit A; plus strand). Cytogenetic location: 9q34.11.
Variant type: single nucleotide variant.
Coding change: c.1999C>A on transcript NM_019594.4 (MANE Select); coding-DNA position 1999, C replaced by A.
Protein change: p.Leu667Ile; replaces leucine 667 with isoleucine.
Molecular consequence: missense variant.
Genome position (GRCh38, 1-based): chr9:128,909,163, C>A. VCF-style: chr9-128909163-C-A. GRCh37 (hg19) VCF-style: chr9-131671442-C-A.
Other names: c.1999C>A, p.Leu667Ile (NM_001127244.2, NM_001127245.2); short protein forms L667I.
Identifiers: ClinVar variation 4729642 (VCV004729642.1).
Genomic context (GRCh38, chr9:128,909,163, plus strand): 5'-TGGTACAACCACATCGCCTACATCCCCATCCAGATCGGCAACCTCACCAACCTGGAGCGC[C>A]TCTACCTGAACCGCAACAAGATCGAGAAGATCCCCACCCAGCTCTTCTACTGCCGCAAGC-3'
Protein context (NP_062540.2, residues 657-677): QIGNLTNLER[Leu667Ile]YLNRNKIEKI